The following is an entry in ClinVar:

NM_001062.4(TCN1):c.614G>A (p.Gly205Glu)

Gene: TCN1 (transcobalamin 1; minus strand). Cytogenetic location: 11q12.1.
Variant type: single nucleotide variant.
Coding change: c.614G>A on transcript NM_001062.4 (MANE Select); coding-DNA position 614, G replaced by A.
Protein change: p.Gly205Glu; replaces glycine 205 with glutamic acid.
Molecular consequence: missense variant.
Genome position (GRCh38, 1-based): chr11:59,859,210, C>T on the plus strand (G>A on the coding strand, the complement: TCN1 is on the minus strand). VCF-style: chr11-59859210-C-T. GRCh37 (hg19) VCF-style: chr11-59626683-C-T.
Other names: short protein forms G205E.
Identifiers: ClinVar variation 1939543 (VCV001939543.5), dbSNP rs1394465934, ClinGen allele CA380807724.

ClinVar aggregate classification (germline): Uncertain significance (1 of 4 stars; one submission).

Conditions:
Transcobalamin I deficiency (TCN1D). Also called: COBALAMIN PSEUDODEFICIENCY DUE TO TRANSCOBALAMIN DEFICIENCY; COBALAMIN R BINDER PROTEIN DEFICIENCY; TCN1 DEFICIENCY. Identifiers: Orphanet 2967, MedGen C0342700, MONDO:0008659, OMIM 193090.

Allele frequency attached by ClinVar (database versions not stated): TOPMed 0.00002.

Submission:

Labcorp Genetics (formerly Invitae), Labcorp
Classification: Uncertain significance for Transcobalamin I deficiency. Last evaluated: 2024-10-24. Review status: criteria provided, single submitter. Criteria: Invitae Variant Classification Sherloc (09022015). Collection method: clinical testing. Allele origin: germline.
Comment: This sequence change replaces glycine, which is neutral and non-polar, with glutamic acid, which is acidic and polar, at codon 205 of the TCN1 protein (p.Gly205Glu). This variant is not present in population databases (gnomAD no frequency). This variant has not been reported in the literature in individuals affected with TCN1-related conditions. ClinVar contains an entry for this variant (Variation ID: 1939543). An algorithm developed to predict the effect of missense changes on protein structure and function outputs the following: PolyPhen-2: "Benign". The glutamic acid amino acid residue is found in multiple mammalian species, which suggests that this missense change does not adversely affect protein function. In summary, the available evidence is currently insufficient to determine the role of this variant in disease. Therefore, it has been classified as a Variant of Uncertain Significance.